The following is an entry in ClinVar:

NM_139076.3(ABRAXAS1):c.12G>T (p.Glu4Asp)

Genes: ABRAXAS1 (abraxas 1, BRCA1 A complex subunit; minus strand), LOC129992784 (ATAC-STARR-seq lymphoblastoid silent region 15542; plus strand). Cytogenetic location: 4q21.23.
Variant type: single nucleotide variant.
Coding change: c.12G>T on transcript NM_139076.3 (MANE Select); coding-DNA position 12, G replaced by T.
Protein change: p.Glu4Asp; replaces glutamic acid 4 with aspartic acid.
Molecular consequence: missense variant. On other transcripts: 5 prime UTR variant (1).
Genome position (GRCh38, 1-based): chr4:83,485,061, C>A on the plus strand (G>T on the coding strand, the complement: ABRAXAS1 is on the minus strand). VCF-style: chr4-83485061-C-A. GRCh37 (hg19) VCF-style: chr4-84406214-C-A.
Other names: c.-249G>T (NM_001345962.2); short protein forms E4D.
Identifiers: ClinVar variation 1026212 (VCV001026212.11), dbSNP rs757308496, ClinGen allele CA357264112.

ClinVar aggregate classification (germline): Uncertain significance. Review status: criteria provided, multiple submitters, no conflicts (2 of 4 stars). 2 submissions from 2 submitters: Uncertain significance (2). Last evaluated 2025-02-27.

Allele frequency attached by ClinVar (database versions not stated): gnomAD exomes below 0.00001.
gnomAD v4.1: 6 of 1,590,212 alleles (0.00038%); highest among the groups gnomAD compares: South Asian, 0.0011%; no homozygotes.

Submissions (2):

Ambry Genetics
Classification: Uncertain significance. Last evaluated: 2025-02-27. Review status: criteria provided, single submitter. Criteria: Ambry Variant Classification Scheme 2023. Collection method: clinical testing. Allele origin: germline.
Comment: The p.E4D variant (also known as c.12G>T), located in coding exon 1 of the FAM175A gene, results from a G to T substitution at nucleotide position 12. The glutamic acid at codon 4 is replaced by aspartic acid, an amino acid with highly similar properties. This amino acid position is conserved. In addition, this alteration is predicted to be tolerated by in silico analysis. Since supporting evidence is limited at this time, the clinical significance of this alteration remains unclear.

Labcorp Genetics (formerly Invitae), Labcorp
Classification: Uncertain significance. Last evaluated: 2017-11-23. Review status: criteria provided, single submitter. Criteria: Invitae Variant Classification Sherloc (09022015). Collection method: clinical testing. Allele origin: germline.
Comment: In summary, the available evidence is currently insufficient to determine the role of this variant in disease. Therefore, it has been classified as a Variant of Uncertain Significance. Algorithms developed to predict the effect of missense changes on protein structure and function do not agree on the potential impact of this missense change (SIFT: "Tolerated"; PolyPhen-2: "Probably Damaging"; Align-GVGD: "Class C0"). This variant has not been reported in the literature in individuals with FAM175A-related disease. This variant is not present in population databases (ExAC no frequency). This sequence change replaces glutamic acid with aspartic acid at codon 4 of the FAM175A protein (p.Glu4Asp). The glutamic acid residue is moderately conserved and there is a small physicochemical difference between glutamic acid and aspartic acid.